The following is an entry in ClinVar:

ClinVar aggregate classification (germline): Uncertain significance (1 of 4 stars; one submission).

Conditions:
Primary ciliary dyskinesia. Also called: Ciliary dyskinesia. Identifiers: Orphanet 244, MedGen C0008780, MONDO:0016575, HP:0012265.

Allele frequency attached by ClinVar (database versions not stated): ExAC 0.00001; gnomAD exomes 0.00002; gnomAD 0.00003 and 0.00004; TOPMed 0.00003; ESP Exome Variant Server 0.00015.
gnomAD v4.1: 9 of 1,611,874 alleles (0.00056%); highest among the groups gnomAD compares: African/African-American, 0.0067%; no homozygotes.

Submission:

Labcorp Genetics (formerly Invitae), Labcorp
Classification: Uncertain significance for Primary ciliary dyskinesia. Last evaluated: 2022-08-16. Review status: criteria provided, single submitter. Criteria: Invitae Variant Classification Sherloc (09022015). Collection method: clinical testing. Allele origin: germline.
Comment: This sequence change replaces histidine, which is basic and polar, with arginine, which is basic and polar, at codon 429 of the CCDC114 protein (p.His429Arg). This variant is present in population databases (rs368172509, gnomAD 0.02%). In summary, the available evidence is currently insufficient to determine the role of this variant in disease. Therefore, it has been classified as a Variant of Uncertain Significance. Algorithms developed to predict the effect of missense changes on protein structure and function (SIFT, PolyPhen-2, Align-GVGD) all suggest that this variant is likely to be tolerated. ClinVar contains an entry for this variant (Variation ID: 657265). This variant has not been reported in the literature in individuals affected with CCDC114-related conditions.

NM_001364171.2(ODAD1):c.1397A>G (p.His466Arg)

Gene: ODAD1 (outer dynein arm docking complex subunit 1; minus strand). Cytogenetic location: 19q13.33.
Variant type: single nucleotide variant.
Coding change: c.1397A>G on transcript NM_001364171.2 (MANE Select); coding-DNA position 1397, A replaced by G.
Protein change: p.His466Arg; replaces histidine 466 with arginine.
Molecular consequence: missense variant.
Genome position (GRCh38, 1-based): chr19:48,298,184, T>C on the plus strand (A>G on the coding strand, the complement: ODAD1 is on the minus strand). VCF-style: chr19-48298184-T-C. GRCh37 (hg19) VCF-style: chr19-48801441-T-C.
Other names: c.1286A>G, p.His429Arg (NM_144577.4); short protein forms H429R, H466R.
Identifiers: ClinVar variation 657265 (VCV000657265.7), dbSNP rs368172509, ClinGen allele CA9548726.